The following is an entry in ClinVar:

ClinVar aggregate classification (germline): Uncertain significance (1 of 4 stars; one submission).

Submission:

Ambry Genetics
Classification: Uncertain significance. Last evaluated: 2024-12-30. Review status: criteria provided, single submitter. Criteria: Ambry Variant Classification Scheme 2023. Collection method: clinical testing. Allele origin: germline.
Comment: The p.A1633S variant (also known as c.4897G>T), located in coding exon 43 of the KIF1B gene, results from a G to T substitution at nucleotide position 4897. The alanine at codon 1633 is replaced by serine, an amino acid with similar properties. This amino acid position is highly conserved in available vertebrate species. In addition, the in silico prediction for this alteration is inconclusive. The evidence for this gene-disease relationship is limited; therefore, the clinical significance of this alteration is unclear.

NM_001365951.3(KIF1B):c.5035G>T (p.Ala1679Ser)

Gene: KIF1B (kinesin family member 1B; plus strand). Cytogenetic location: 1p36.22.
Variant type: single nucleotide variant.
Coding change: c.5035G>T on transcript NM_001365951.3 (MANE Select); coding-DNA position 5035, G replaced by T.
Protein change: p.Ala1679Ser; replaces alanine 1679 with serine.
Molecular consequence: missense variant.
Genome position (GRCh38, 1-based): chr1:10,374,404, G>T. VCF-style: chr1-10374404-G-T. GRCh37 (hg19) VCF-style: chr1-10434462-G-T.
Other names: c.5035G>T, p.Ala1679Ser (NM_001365952.1); c.4897G>T, p.Ala1633Ser (NM_015074.3); short protein forms A1633S, A1679S.
Identifiers: ClinVar variation 2625727 (VCV002625727.3), dbSNP rs771834495, ClinGen allele CA338329410.